The following is an entry in ClinVar:

NM_139343.3(BIN1):c.698+10_698+12delinsGTT

Gene: BIN1 (bridging integrator 1; minus strand). Cytogenetic location: 2q14.3.
Variant type: Indel.
Coding change: c.698+10_698+12delinsGTT on transcript NM_139343.3 (MANE Select); bases 10 to 12 of the intron after coding-DNA position 698, AGC replaced by GTT.
Molecular consequence: intron variant.
Genome position (GRCh38, 1-based): chr2:127,063,921-127,063,923, GCT replaced by AAC on the plus strand (AGC replaced by GTT on the coding strand, the reverse complement: BIN1 is on the minus strand). VCF-style: chr2-127063921-GCT-AAC. GRCh37 (hg19) VCF-style: chr2-127821497-GCT-AAC.
Other names: c.617+10_617+12delinsGTT (NM_001320642.1); c.533+10_533+12delinsGTT (NM_001320634.1); c.605+10_605+12delinsGTT (NM_139351.3, NM_139350.3, NM_139349.3 and 6 more transcripts); c.698+10_698+12delinsGTT (NM_001320633.2, NM_139345.3, NM_139344.3 and 1 more transcripts).
Identifiers: ClinVar variation 3648674 (VCV003648674.2).
Genomic context (GRCh38, chr2:127,063,921, plus strand): 5'-ACGCAGACTGGGCACCGCAGCACGCAGACTGGACACTGCCCCACGCAGGCTGGGCACCGT[GCT>AAC]GGGCCTCACCTGTTCCACAGGGACGGCAGCTCCTCCTGCAGATCCACATTCATCTCCTCA-3'

ClinVar aggregate classification (germline): Uncertain significance (1 of 4 stars; one submission).

Conditions:
Myopathy, centronuclear, 2 (CNM2). Also called: MYOTUBULAR MYOPATHY, AUTOSOMAL RECESSIVE. Identifiers: Orphanet 169186, MedGen CN031787, MONDO:0009709, OMIM 255200.

Submission:

Labcorp Genetics (formerly Invitae), Labcorp
Classification: Uncertain significance for Myopathy, centronuclear, 2. Last evaluated: 2024-04-03. Review status: criteria provided, single submitter. Criteria: Invitae Variant Classification Sherloc (09022015). Collection method: clinical testing. Allele origin: germline.
Comment: This sequence change falls in intron 8 of the BIN1 gene. It does not directly change the encoded amino acid sequence of the BIN1 protein. Information on the frequency of this variant in the gnomAD database is not available, as this variant may be reported differently in the database. This variant has not been reported in the literature in individuals affected with BIN1-related conditions. Experimental studies and prediction algorithms are not available or were not evaluated, and the effect of this variant on mRNA splicing is currently unknown. In summary, the available evidence is currently insufficient to determine the role of this variant in disease. Therefore, it has been classified as a Variant of Uncertain Significance.